The following is an entry in ClinVar:

ClinVar aggregate classification (germline): Likely benign. Review status: criteria provided, multiple submitters, no conflicts (2 of 4 stars). 2 submissions from 2 submitters: Likely benign (2). Last evaluated 2024-10-30.

Conditions:
Lipoic acid synthetase deficiency. Also called: HYPERGLYCINEMIA, LACTIC ACIDOSIS, AND SEIZURES. Identifiers: Orphanet 401859, MedGen C3280887, MONDO:0013762, OMIM 614462.

Allele frequency attached by ClinVar (database versions not stated): ExAC 0.00001; gnomAD 0.00001 and 0.00003; gnomAD exomes 0.00001 and 0.00002; TOPMed 0.00001.
gnomAD v4.1: 24 of 1,482,612 alleles (0.0016%); highest among the groups gnomAD compares: Admixed American, 0.0084%; no homozygotes.

Submissions (2):

Labcorp Genetics (formerly Invitae), Labcorp
Classification: Likely benign for Lipoic acid synthetase deficiency. Last evaluated: 2024-10-30. Review status: criteria provided, single submitter. Criteria: Invitae Variant Classification Sherloc (09022015). Collection method: clinical testing. Allele origin: germline.

GeneDx
Classification: Likely benign. Last evaluated: 2018-06-05. Review status: criteria provided, single submitter. Criteria: GeneDx Variant Classification (06012015). Collection method: clinical testing. Allele origin: germline. Affected: yes.
Comment: This variant is considered likely benign or benign based on one or more of the following criteria: it is a conservative change, it occurs at a poorly conserved position in the protein, it is predicted to be benign by multiple in silico algorithms, and/or has population frequency not consistent with disease.

NM_006859.4(LIAS):c.1066+17G>A

Gene: LIAS (lipoic acid synthetase; plus strand). Cytogenetic location: 4p14.
Variant type: single nucleotide variant.
Coding change: c.1066+17G>A on transcript NM_006859.4 (MANE Select); 17 bases into the intron after coding-DNA position 1066, G replaced by A.
Molecular consequence: intron variant.
Genome position (GRCh38, 1-based): chr4:39,473,228, G>A. VCF-style: chr4-39473228-G-A. GRCh37 (hg19) VCF-style: chr4-39474848-G-A.
Other names: c.954+1922G>A (NM_194451.3); c.937+17G>A (NM_001278590.2); c.757+17G>A (NM_001363700.2).
Identifiers: ClinVar variation 668480 (VCV000668480.3), dbSNP rs764338452, ClinGen allele CA2894852.